The following is an entry in ClinVar:

NM_015378.4(VPS13D):c.9501A>G (p.Ala3167=)

Gene: VPS13D (vacuolar protein sorting 13 homolog D; plus strand). Cytogenetic location: 1p36.22.
Variant type: single nucleotide variant.
Coding change: c.9501A>G on transcript NM_015378.4 (MANE Select); coding-DNA position 9501, A replaced by G.
Protein change: p.Ala3167=; no amino-acid change (alanine 3167 retained).
Molecular consequence: synonymous variant.
Genome position (GRCh38, 1-based): chr1:12,354,043, A>G. VCF-style: chr1-12354043-A-G. GRCh37 (hg19) VCF-style: chr1-12414100-A-G.
Other names: p.Ala3167=; c.9426A>G, p.Ala3142= (NM_018156.4); c.9501A>G (NM_015378.3).
Identifiers: ClinVar variation 1334956 (VCV001334956.44), dbSNP rs140401958, ClinGen allele CA603454.
Genomic context (GRCh38, chr1:12,354,043, plus strand): 5'-GGCTATAAAGAAAGAGAATTATCCAGATTATATGCCCTCAAACATATTTTCTGACAGTGC[A>G]AAACAGATTTTCAGACAGCCTGGGCATACCATATATCTCCTGCCAACTGTGGTAATCTGC-3'
Protein context (NP_056193.2, residues 3157-3177): YMPSNIFSDS[Ala3167=]KQIFRQPGHT

ClinVar aggregate classification (germline): Benign/Likely benign. Review status: criteria provided, multiple submitters, no conflicts (2 of 4 stars). 5 submissions from 5 submitters: Benign (1); Likely benign (3). 1 of the submissions does not count toward it. Last evaluated 2026-06-01.

Conditions:
VPS13D-related disorder. Also called: VPS13D-related condition.

Allele frequency attached by ClinVar (database versions not stated): 1000 Genomes Project 0.00060; ExAC 0.00130; gnomAD 0.00145 and 0.00152; 1000 Genomes Project 30x 0.00078; gnomAD exomes 0.00126 and 0.00222; TOPMed 0.00161; ESP Exome Variant Server 0.00177.
gnomAD v4.1: 3,486 of 1,614,222 alleles (0.22%); highest among the groups gnomAD compares: Non-Finnish European, 0.27%; 10 homozygotes.

Submissions (6):

CeGaT Center for Human Genetics Tuebingen
Classification: Likely benign. Last evaluated: 2026-06-01. Review status: criteria provided, single submitter. Criteria: CeGaT Center For Human Genetics Tuebingen Variant Classification Criteria Version 2. Collection method: clinical testing. Allele origin: germline. Affected: yes. Observed: 12 variant alleles.
Comment: VPS13D: BP4, BP7

Labcorp Genetics (formerly Invitae), Labcorp
Classification: Benign. Last evaluated: 2026-01-28. Review status: criteria provided, single submitter. Criteria: Invitae Variant Classification Sherloc (09022015). Collection method: clinical testing. Allele origin: germline.

Mayo Clinic Laboratories, Mayo Clinic
Classification: Likely benign. Last evaluated: 2025-01-28. Review status: criteria provided, single submitter. Criteria: ACMG Guidelines, 2015. Collection method: clinical testing. Allele origin: germline. Observed: 13 variant alleles.
Comment: BS1, BP4, BP7

Blueprint Genetics
Classification: Likely benign. Last evaluated: 2024-11-04. Review status: criteria provided, single submitter. Criteria: ACMG Guidelines, 2015. Collection method: clinical testing. Allele origin: germline.

PreventionGenetics, part of Exact Sciences
Classification: Likely benign for VPS13D-related condition. Last evaluated: 2019-03-18. Review status: no assertion criteria provided. Collection method: clinical testing. Allele origin: germline. Not counted in ClinVar's aggregate classification.
Comment: This variant is classified as likely benign based on ACMG/AMP sequence variant interpretation guidelines (Richards et al. 2015 PMID: 25741868, with internal and published modifications).

Dr. Peter K. Rogan Lab, Western University
No classification provided (evidence only). Condition: Malignant tumor of urinary bladder. Review status: no classification provided. Collection method: in vitro. Allele origin: not applicable. Functional consequence: retained intron. Not counted in ClinVar's aggregate classification.